The following is an entry in ClinVar:

NM_002775.5(HTRA1):c.691G>A (p.Glu231Lys)

Gene: HTRA1 (HtrA serine peptidase 1; plus strand). Cytogenetic location: 10q26.13.
Variant type: single nucleotide variant.
Coding change: c.691G>A on transcript NM_002775.5 (MANE Select); coding-DNA position 691, G replaced by A.
Protein change: p.Glu231Lys; replaces glutamic acid 231 with lysine.
Molecular consequence: missense variant.
Genome position (GRCh38, 1-based): chr10:122,489,540, G>A. VCF-style: chr10-122489540-G-A. GRCh37 (hg19) VCF-style: chr10-124249056-G-A.
Other names: short protein forms E231K.
Identifiers: ClinVar variation 2635827 (VCV002635827.3), dbSNP rs2497623098, ClinGen allele CA378581244.

ClinVar aggregate classification (germline): Uncertain significance (0 of 4 stars; one submission).

Conditions:
HTRA1-related disorder. Also called: HTRA1-related condition.

Allele frequency attached by ClinVar (database versions not stated): gnomAD exomes below 0.00001.
gnomAD v4.1: 4 of 1,614,196 alleles (0.00025%); highest among the groups gnomAD compares: Non-Finnish European, 0.00025%; no homozygotes.

Submission:

PreventionGenetics, part of Exact Sciences
Classification: Uncertain significance for HTRA1-related condition. Last evaluated: 2024-01-19. Review status: no assertion criteria provided. Collection method: clinical testing. Allele origin: germline.
Comment: The HTRA1 c.691G>A variant is predicted to result in the amino acid substitution p.Glu231Lys. To our knowledge, this variant has not been reported in the literature or in a large population database, indicating this variant is rare. At this time, the clinical significance of this variant is uncertain due to the absence of conclusive functional and genetic evidence.